The following is an entry in ClinVar:

NM_001292063.2(OTOG):c.7090G>A (p.Asp2364Asn)

Gene: OTOG (otogelin; plus strand). Cytogenetic location: 11p15.1.
Variant type: single nucleotide variant.
Coding change: c.7090G>A on transcript NM_001292063.2 (MANE Select); coding-DNA position 7090, G replaced by A.
Protein change: p.Asp2364Asn; replaces aspartic acid 2364 with asparagine.
Molecular consequence: missense variant.
Genome position (GRCh38, 1-based): chr11:17,633,697, G>A. VCF-style: chr11-17633697-G-A. GRCh37 (hg19) VCF-style: chr11-17655244-G-A.
Other names: p.Asp2376Asn; c.7126G>A, p.Asp2376Asn (NM_001277269.2); short protein forms D2376N, D2364N.
Identifiers: ClinVar variation 1033816 (VCV001033816.3), dbSNP rs534951317, ClinGen allele CA5906105.

ClinVar aggregate classification (germline): Conflicting classifications of pathogenicity. Review status: criteria provided, conflicting classifications (1 of 4 stars). 3 submissions from 3 submitters: Uncertain significance (2); Likely benign (1). Last evaluated 2025-03-17.

Conditions:
Autosomal recessive nonsyndromic hearing loss 18B. Also called: Deafness, autosomal recessive 18b. Identifiers: Orphanet 90636, MedGen C3554163, MONDO:0013985, OMIM 614945.

Allele frequency attached by ClinVar (database versions not stated): gnomAD exomes 0.00003 and 0.00019; gnomAD 0.00005 and 0.00007; TOPMed 0.00007; ExAC 0.00026; 1000 Genomes Project 30x 0.00078; 1000 Genomes Project 0.00100.

Submissions (3):

Mayo Clinic Laboratories, Mayo Clinic
Classification: Likely benign. Last evaluated: 2025-03-17. Review status: criteria provided, single submitter. Criteria: ACMG Guidelines, 2015. Collection method: clinical testing. Allele origin: germline. Observed: 1 variant allele.
Comment: BS1_supporting, BP4

Blueprint Genetics
Classification: Uncertain significance. Last evaluated: 2023-09-05. Review status: criteria provided, single submitter. Criteria: ACMG Guidelines, 2015. Collection method: clinical testing. Allele origin: germline.

Baylor Genetics
Classification: Uncertain significance for Autosomal recessive nonsyndromic hearing loss 18B. Last evaluated: 2018-05-08. Review status: criteria provided, single submitter. Criteria: ACMG Guidelines, 2015. Collection method: clinical testing. Allele origin: unknown. Affected: yes.
Comment: This variant was determined to be of uncertain significance according to ACMG Guidelines, 2015 [PMID:25741868].